The following is an entry in ClinVar:

ClinVar aggregate classification (germline): Uncertain significance (1 of 4 stars; one submission).

Conditions:
Long QT syndrome (LQTS). Identifiers: MedGen C0023976, MeSH D008133, MONDO:0002442. Disease mechanism: loss of function. Inheritance: Various modes of inheritance.

Submission:

Labcorp Genetics (formerly Invitae), Labcorp
Classification: Uncertain significance for Long QT syndrome. Last evaluated: 2023-07-10. Review status: criteria provided, single submitter. Criteria: Invitae Variant Classification Sherloc (09022015). Collection method: clinical testing. Allele origin: germline.
Comment: This sequence change replaces leucine, which is neutral and non-polar, with phenylalanine, which is neutral and non-polar, at codon 327 of the SNTA1 protein (p.Leu327Phe). This variant is not present in population databases (gnomAD no frequency). This variant has not been reported in the literature in individuals affected with SNTA1-related conditions. ClinVar contains an entry for this variant (Variation ID: 1004899). Advanced modeling of protein sequence and biophysical properties (such as structural, functional, and spatial information, amino acid conservation, physicochemical variation, residue mobility, and thermodynamic stability) performed at Invitae indicates that this missense variant is not expected to disrupt SNTA1 protein function. In summary, the available evidence is currently insufficient to determine the role of this variant in disease. Therefore, it has been classified as a Variant of Uncertain Significance.

NM_003098.3(SNTA1):c.979C>T (p.Leu327Phe)

Gene: SNTA1 (syntrophin alpha 1; minus strand). Cytogenetic location: 20q11.21.
Variant type: single nucleotide variant.
Coding change: c.979C>T on transcript NM_003098.3 (MANE Select); coding-DNA position 979, C replaced by T.
Protein change: p.Leu327Phe; replaces leucine 327 with phenylalanine.
Molecular consequence: missense variant.
Genome position (GRCh38, 1-based): chr20:33,412,357, G>A on the plus strand (C>T on the coding strand, the complement: SNTA1 is on the minus strand). VCF-style: chr20-33412357-G-A. GRCh37 (hg19) VCF-style: chr20-32000163-G-A.
Other names: short protein forms L327F.
Identifiers: ClinVar variation 1004899 (VCV001004899.8), dbSNP rs1989760531, ClinGen allele CA408631190.